The following is an entry in ClinVar:

NM_002907.4(RECQL):c.1549_1552del (p.Asp517fs)

Gene: RECQL (RecQ like helicase; minus strand). Cytogenetic location: 12p12.1.
Variant type: Microsatellite.
Coding change: c.1549_1552del on transcript NM_002907.4 (MANE Select); coding-DNA positions 1549 to 1552, 4 bases deleted (GATT; older notation c.1549_1552delGATT).
Protein change: p.Asp517fs; shifts the reading frame from aspartic acid 517.
Molecular consequence: frameshift variant.
Genome position (GRCh38, 1-based): chr12:21,471,543-21,471,546, AATC deleted on the plus strand (GATT on the coding strand, the reverse complement: RECQL is on the minus strand); deleting any 4 consecutive bases within chr12:21,471,543-21,471,551 gives the same sequence; the c. name uses the placement nearest the transcript's 3' end. VCF-style (leftmost placement, unchanged base first): chr12-21471542-GAATC-G. GRCh37 (hg19) VCF-style: chr12-21624476-GAATC-G.
Other names: c.1549_1552del, p.Asp517fs (NM_032941.3); short protein forms D517fs.
Identifiers: ClinVar variation 1774982 (VCV001774982.3), dbSNP rs775188713, ClinGen allele CA6478720.

ClinVar aggregate classification (germline): Uncertain significance (1 of 4 stars; one submission).

Submission:

Ambry Genetics
Classification: Uncertain significance. Last evaluated: 2023-03-27. Review status: criteria provided, single submitter. Criteria: Ambry Variant Classification Scheme 2023. Collection method: clinical testing. Allele origin: germline.
Comment: The c.1549_1552delGATT variant, located in coding exon 12 of the RECQL gene, results from a deletion of 4 nucleotides at nucleotide positions 1549 to 1552, causing a translational frameshift with a predicted alternate stop codon (p.D517Lfs*10). This alteration is expected to result in premature protein truncation or nonsense-mediated mRNA decay. The evidence for this gene-disease relationship is limited; therefore, the clinical significance of this alteration is unclear.